The following is an entry in ClinVar:

NM_001430.5(EPAS1):c.1991C>T (p.Ala664Val)

Gene: EPAS1 (endothelial PAS domain protein 1; plus strand). Cytogenetic location: 2p21.
Variant type: single nucleotide variant.
Coding change: c.1991C>T on transcript NM_001430.5 (MANE Select); coding-DNA position 1991, C replaced by T.
Protein change: p.Ala664Val; replaces alanine 664 with valine.
Molecular consequence: missense variant.
Genome position (GRCh38, 1-based): chr2:46,380,663, C>T. VCF-style: chr2-46380663-C-T. GRCh37 (hg19) VCF-style: chr2-46607802-C-T.
Other names: short protein forms A664V.
Identifiers: ClinVar variation 1783975 (VCV001783975.2), dbSNP rs2103673797, ClinGen allele CA346705304.
Genomic context (GRCh38, chr2:46,380,663, plus strand): 5'-CATTACATTTTGGGCCCACAAAGTGGGCCGTCGGGGATCAGCGCACAGAGTTCTTGGGAG[C>T]AGCGCCGTTGGGGCCCCCTGTCTCTCCACCCCATGTCTCCACCTTCAAGACAAGGTAAGT-3'
Protein context (NP_001421.2, residues 654-674): VGDQRTEFLG[Ala664Val]APLGPPVSPP

ClinVar aggregate classification (germline): Uncertain significance (1 of 4 stars; one submission).

Conditions:
Inborn genetic diseases. Identifiers: MedGen C0950123, MeSH D030342.

Submission:

Ambry Genetics
Classification: Uncertain significance for Inborn genetic diseases. Last evaluated: 2021-10-06. Review status: criteria provided, single submitter. Criteria: Ambry Variant Classification Scheme 2023. Collection method: clinical testing. Allele origin: germline.
Comment: The p.A664V variant (also known as c.1991C>T), located in coding exon 12 of the EPAS1 gene, results from a C to T substitution at nucleotide position 1991. The alanine at codon 664 is replaced by valine, an amino acid with similar properties. This amino acid position is conserved. In addition, this alteration is predicted to be tolerated by in silico analysis. Since supporting evidence is limited at this time, the clinical significance of this alteration remains unclear.